The following is an entry in ClinVar:

NM_005475.3(SH2B3):c.424C>T (p.Leu142Phe)

Gene: SH2B3 (SH2B adaptor protein 3; plus strand). Cytogenetic location: 12q24.12.
Variant type: single nucleotide variant.
Coding change: c.424C>T on transcript NM_005475.3 (MANE Select); coding-DNA position 424, C replaced by T.
Protein change: p.Leu142Phe; replaces leucine 142 with phenylalanine.
Molecular consequence: missense variant.
Genome position (GRCh38, 1-based): chr12:111,418,569, C>T. VCF-style: chr12-111418569-C-T. GRCh37 (hg19) VCF-style: chr12-111856373-C-T.
Other names: short protein forms L142F.
Identifiers: ClinVar variation 992914 (VCV000992914.3), dbSNP rs751562450, ClinGen allele CA6789666.

ClinVar aggregate classification (germline): Uncertain significance. Review status: criteria provided, multiple submitters, no conflicts (2 of 4 stars). 3 submissions from 3 submitters: Uncertain significance (3). Last evaluated 2026-09-16.

Conditions:
Inborn genetic diseases. Identifiers: MedGen C0950123, MeSH D030342.
Myeloproliferative neoplasm. Identifiers: Orphanet 98274, MedGen C1292778, MONDO:0020076.

Allele frequency attached by ClinVar (database versions not stated): gnomAD 0.00001; TOPMed 0.00001; gnomAD exomes 0.00002; ExAC 0.00005.
gnomAD v4.1: 15 of 1,478,386 alleles (0.001%); highest among the groups gnomAD compares: East Asian, 0.0092%; no homozygotes.

Submissions (3):

Dept of Medical Biology, Uskudar University
Classification: Uncertain significance for Myeloproliferative neoplasm. Last evaluated: 2026-09-16. Review status: criteria provided, single submitter. Criteria: Dept of Medical Biology Variant Classification. Collection method: research. Allele origin: unknown. Affected: yes. Observed: 1 variant allele.
Comment: PM2_supporting: rare in gnomAD v4.1 (allele frequency 1.1e-05 in exomes). In silico predictions are discordant (SIFT 0.09 tolerated; PolyPhen-2 0.729 possibly damaging), so neither PP3 nor BP4 was applied. Classified as uncertain significance under the ACMG/AMP 2015 guidelines (PMID:25741868). Detected in a retrospective series of 256 BCR::ABL1-negative and JAK2 V617F-negative patients referred for molecular investigation of a suspected myeloproliferative neoplasm (May 2007 to January 2015) and re-interpreted under the ACMG/AMP 2015 criteria.

Ambry Genetics
Classification: Uncertain significance for Inborn genetic diseases. Last evaluated: 2025-02-05. Review status: criteria provided, single submitter. Criteria: Ambry Variant Classification Scheme 2023. Collection method: clinical testing. Allele origin: germline.
Comment: The p.L142F variant (also known as c.424C>T), located in coding exon 1 of the SH2B3 gene, results from a C to T substitution at nucleotide position 424. The leucine at codon 142 is replaced by phenylalanine, an amino acid with highly similar properties. This amino acid position is conserved. In addition, this alteration is predicted to be tolerated by in silico analysis. Based on the available evidence, the clinical significance of this variant remains unclear.

Johns Hopkins Genomics, Johns Hopkins University
Classification: Uncertain significance. Last evaluated: 2020-12-02. Review status: criteria provided, single submitter. Criteria: ACMG Guidelines, 2015. Collection method: clinical testing. Allele origin: germline.
Comment: This SH2B3 variant is absent from a large population dataset and has not been reported in ClinVar nor the literature, to our knowledge. Of three bioinformatics tools queried, two predict that the substitution would be damaging, while one predicts that it would be tolerated. The leucine residue at this position is evolutionarily conserved through mammals. We consider the clinical significance of c.424C>T to be uncertain at this time.